The following is an entry in ClinVar:

NM_021100.5(NFS1):c.823C>T (p.Arg275Cys)

Gene: NFS1 (NFS1 cysteine desulfurase; minus strand). Cytogenetic location: 20q11.22.
Variant type: single nucleotide variant.
Coding change: c.823C>T on transcript NM_021100.5 (MANE Select); coding-DNA position 823, C replaced by T.
Protein change: p.Arg275Cys; replaces arginine 275 with cysteine.
Molecular consequence: missense variant. On other transcripts: non-coding transcript variant (1).
Genome position (GRCh38, 1-based): chr20:35,675,170, G>A on the plus strand (C>T on the coding strand, the complement: NFS1 is on the minus strand). VCF-style: chr20-35675170-G-A. GRCh37 (hg19) VCF-style: chr20-34263092-G-A.
Other names: c.670C>T, p.Arg224Cys (NM_001198989.2); short protein forms R224C, R275C.
Identifiers: ClinVar variation 1932537 (VCV001932537.6), dbSNP rs745650051, ClinGen allele CA9837134.

ClinVar aggregate classification (germline): Uncertain significance. Review status: criteria provided, multiple submitters, no conflicts (2 of 4 stars). 2 submissions from 2 submitters: Uncertain significance (2). Last evaluated 2022-09-12.

Conditions:
Combined oxidative phosphorylation deficiency 52. Identifiers: MedGen C5543592, MONDO:0030311, OMIM 619386.

Allele frequency attached by ClinVar (database versions not stated): TOPMed below 0.00001; gnomAD 0.00001; gnomAD exomes 0.00001; ExAC 0.00004.
gnomAD v4.1: 21 of 1,613,476 alleles (0.0013%); highest among the groups gnomAD compares: Admixed American, 0.0083%; no homozygotes.

Submissions (2):

Labcorp Genetics (formerly Invitae), Labcorp
Classification: Uncertain significance. Last evaluated: 2022-09-12. Review status: criteria provided, single submitter. Criteria: Invitae Variant Classification Sherloc (09022015). Collection method: clinical testing. Allele origin: germline.
Comment: In summary, the available evidence is currently insufficient to determine the role of this variant in disease. Therefore, it has been classified as a Variant of Uncertain Significance. Algorithms developed to predict the effect of missense changes on protein structure and function (SIFT, PolyPhen-2, Align-GVGD) all suggest that this variant is likely to be disruptive. This variant has not been reported in the literature in individuals affected with NFS1-related conditions. This variant is present in population databases (rs745650051, gnomAD 0.009%). This sequence change replaces arginine, which is basic and polar, with cysteine, which is neutral and slightly polar, at codon 275 of the NFS1 protein (p.Arg275Cys).

3billion
Classification: Uncertain significance for Combined oxidative phosphorylation deficiency 52. Review status: criteria provided, single submitter. Criteria: ACMG Guidelines, 2015. Collection method: clinical testing. Allele origin: unknown. Affected: yes. Observed: 1 homozygote.
Comment: The variant is observed at an extremely low frequency in the gnomAD v2.1.1 dataset (total allele frequency: 0.002%). Missense changes are a common disease-causing mechanism. In silico tool predictions suggest damaging effect of the variant on gene or gene product (REVEL: 0.82; 3Cnet: 0.60). Therefore, this variant is classified as Uncertain significance according to the recommendation of ACMG/AMP guideline.